The following is an entry in ClinVar:

ClinVar aggregate classification (germline): Pathogenic (1 of 4 stars; one submission).

Conditions:
Familial adenomatous polyposis 1 (FAP1). Also called: FAMILIAL ADENOMATOUS POLYPOSIS 1, ATTENUATED; POLYPOSIS, ADENOMATOUS INTESTINAL. Identifiers: MedGen C2713442, MONDO:0021056, OMIM 175100. Disease mechanism: loss of function.

Submission:

Myriad Genetics, Inc.
Classification: Pathogenic for Familial adenomatous polyposis 1. Last evaluated: 2023-05-09. Review status: criteria provided, single submitter. Criteria: Myriad Autosomal Dominant, Autosomal Recessive and X-Linked Classification Criteria (2023). Collection method: clinical testing. Allele origin: unknown.
Comment: This variant is considered pathogenic. This variant creates a termination codon and is predicted to result in premature protein truncation.

NM_000038.6(APC):c.3793G>T (p.Glu1265Ter)

Gene: APC (APC regulator of Wnt signaling pathway; plus strand). Cytogenetic location: 5q22.2.
Variant type: single nucleotide variant.
Coding change: c.3793G>T on transcript NM_000038.6 (MANE Select); coding-DNA position 3793, G replaced by T.
Protein change: p.Glu1265Ter; replaces glutamic acid 1265 with a stop codon.
Molecular consequence: nonsense. On other transcripts: non-coding transcript variant (2).
Genome position (GRCh38, 1-based): chr5:112,839,387, G>T. VCF-style: chr5-112839387-G-T. GRCh37 (hg19) VCF-style: chr5-112175084-G-T.
Other names: c.3793G>T, p.Glu1265Ter (NM_001127510.3, NM_001354895.2, NM_001407450.1); c.3739G>T, p.Glu1247Ter (NM_001127511.3); c.3847G>T, p.Glu1283Ter (NM_001354896.2, NM_001407447.1, NM_001407448.1 and 1 more transcripts); c.3823G>T, p.Glu1275Ter (NM_001354897.2); c.3718G>T, p.Glu1240Ter (NM_001354898.2); c.3709G>T, p.Glu1237Ter (NM_001354899.2); c.3670G>T, p.Glu1224Ter (NM_001354900.2); c.3616G>T, p.Glu1206Ter (NM_001354901.2, NM_001407453.1); and 11 more; short protein forms E1105*, E1136*, E1139*, E1164*, E1174*, E1182*, E1206*, E1224*.
Identifiers: ClinVar variation 2584067 (VCV002584067.1), dbSNP rs2149899129, ClinGen allele CA16029653.
Genomic context (GRCh38, chr5:112,839,387, plus strand): 5'-AAGGCTGCCACTTGCAAAGTTTCTTCTATTAACCAAGAAACAATACAGACTTATTGTGTA[G>T]AAGATACTCCAATATGTTTTTCAAGATGTAGTTCATTATCATCTTTGTCATCAGCTGAAG-3'